The following is an entry in ClinVar:

NM_001243133.2(NLRP3):c.2155G>A (p.Val719Met)

Gene: NLRP3 (NLR family pyrin domain containing 3; plus strand). Cytogenetic location: 1q44.
Variant type: single nucleotide variant.
Coding change: c.2155G>A on transcript NM_001243133.2 (MANE Select); coding-DNA position 2155, G replaced by A.
Protein change: p.Val719Met; replaces valine 719 with methionine.
Molecular consequence: missense variant. On other transcripts: intron variant (2).
Genome position (GRCh38, 1-based): chr1:247,429,589, G>A. VCF-style: chr1-247429589-G-A. GRCh37 (hg19) VCF-style: chr1-247592891-G-A.
Other names: c.2155G>A, p.Val719Met (NM_001079821.3, NM_001127461.3); c.2161G>A, p.Val721Met (NM_004895.5); c.2150+3990G>A (NM_001127462.3, NM_183395.3); short protein forms V719M, V721M.
Identifiers: ClinVar variation 1908976 (VCV001908976.5), dbSNP rs2527318977, ClinGen allele CA345558919.

ClinVar aggregate classification (germline): Uncertain significance (1 of 4 stars; one submission).

Conditions:
Cryopyrin associated periodic syndrome (CAPS). Identifiers: Orphanet 208650, MedGen C2316212, MONDO:0016168.

Submission:

Labcorp Genetics (formerly Invitae), Labcorp
Classification: Uncertain significance for Cryopyrin associated periodic syndrome. Last evaluated: 2022-05-22. Review status: criteria provided, single submitter. Criteria: Invitae Variant Classification Sherloc (09022015). Collection method: clinical testing. Allele origin: germline.
Comment: In summary, the available evidence is currently insufficient to determine the role of this variant in disease. Therefore, it has been classified as a Variant of Uncertain Significance. Algorithms developed to predict the effect of missense changes on protein structure and function output the following: SIFT: "Deleterious"; PolyPhen-2: "Benign"; Align-GVGD: "Class C0". The methionine amino acid residue is found in multiple mammalian species, which suggests that this missense change does not adversely affect protein function. This variant has not been reported in the literature in individuals affected with NLRP3-related conditions. This variant is not present in population databases (gnomAD no frequency). This sequence change replaces valine, which is neutral and non-polar, with methionine, which is neutral and non-polar, at codon 721 of the NLRP3 protein (p.Val721Met).